The following is an entry in ClinVar:

ClinVar aggregate classification (germline): Uncertain significance (1 of 4 stars; one submission).

Allele frequency attached by ClinVar (database versions not stated): TOPMed 0.00002; gnomAD 0.00003.
gnomAD v4.1: 6 of 1,611,624 alleles (0.00037%); highest among the groups gnomAD compares: Admixed American, 0.01%; no homozygotes.

Submission:

Labcorp Genetics (formerly Invitae), Labcorp
Classification: Uncertain significance. Last evaluated: 2022-07-19. Review status: criteria provided, single submitter. Criteria: Invitae Variant Classification Sherloc (09022015). Collection method: clinical testing. Allele origin: germline.
Comment: This sequence change replaces aspartic acid, which is acidic and polar, with tyrosine, which is neutral and polar, at codon 363 of the PNPT1 protein (p.Asp363Tyr). This variant is not present in population databases (gnomAD no frequency). This variant has not been reported in the literature in individuals affected with PNPT1-related conditions. ClinVar contains an entry for this variant (Variation ID: 1520832). Advanced modeling of protein sequence and biophysical properties (such as structural, functional, and spatial information, amino acid conservation, physicochemical variation, residue mobility, and thermodynamic stability) performed at Invitae indicates that this missense variant is expected to disrupt PNPT1 protein function. Algorithms developed to predict the effect of sequence changes on RNA splicing suggest that this variant may create or strengthen a splice site. In summary, the available evidence is currently insufficient to determine the role of this variant in disease. Therefore, it has been classified as a Variant of Uncertain Significance.

NM_033109.5(PNPT1):c.1087G>T (p.Asp363Tyr)

Gene: PNPT1 (polyribonucleotide nucleotidyltransferase 1; minus strand). Cytogenetic location: 2p16.1.
Variant type: single nucleotide variant.
Coding change: c.1087G>T on transcript NM_033109.5 (MANE Select); coding-DNA position 1087, G replaced by T.
Protein change: p.Asp363Tyr; replaces aspartic acid 363 with tyrosine.
Molecular consequence: missense variant.
Genome position (GRCh38, 1-based): chr2:55,667,080, C>A on the plus strand (G>T on the coding strand, the complement: PNPT1 is on the minus strand). VCF-style: chr2-55667080-C-A. GRCh37 (hg19) VCF-style: chr2-55894215-C-A.
Other names: short protein forms D363Y.
Identifiers: ClinVar variation 1520832 (VCV001520832.5), dbSNP rs1395733679, ClinGen allele CA346928801.